The following is an entry in ClinVar:

NM_014159.7(SETD2):c.1954T>G (p.Leu652Val)

Gene: SETD2 (SET domain containing 2, histone lysine methyltransferase; minus strand). Cytogenetic location: 3p21.31.
Variant type: single nucleotide variant.
Coding change: c.1954T>G on transcript NM_014159.7 (MANE Select); coding-DNA position 1954, T replaced by G.
Protein change: p.Leu652Val; replaces leucine 652 with valine.
Molecular consequence: missense variant. On other transcripts: non-coding transcript variant (1).
Genome position (GRCh38, 1-based): chr3:47,122,682, A>C on the plus strand (T>G on the coding strand, the complement: SETD2 is on the minus strand). VCF-style: chr3-47122682-A-C. GRCh37 (hg19) VCF-style: chr3-47164172-A-C.
Other names: c.1822T>G, p.Leu608Val (NM_001349370.3); short protein forms L608V, L652V.
Identifiers: ClinVar variation 4882227 (VCV004882227.2).
Genomic context (GRCh38, chr3:47,122,682, plus strand): 5'-TTAATTCTATGGGACAAAAACTTCTTAATTGATCATTCTTCACTTTAGATAAAGAGTCTA[A>C]TTCCTTAATACTATCATGGCTATCATGTGTTATAAATTCGGACTTAAAAATAGGCAATTC-3'
Protein context (NP_054878.5, residues 642-662): THDSHDSIKE[Leu652Val]DSLSKVKNDQ

ClinVar aggregate classification (germline): Uncertain significance (1 of 4 stars; one submission).

gnomAD v4.1: 4 of 1,613,410 alleles (0.00025%); highest among the groups gnomAD compares: Admixed American, 0.0033%; no homozygotes.

Submission:

Dasa
Classification: Uncertain significance. Last evaluated: 2026-01-02. Review status: criteria provided, single submitter. Criteria: DASA Assertion Criteria. Collection method: clinical testing. Allele origin: germline.
Comment: NM_014159.7(SETD2):c.1954T>G (p.Leu652Val) is a missense variant that results in the substitution of leucine with valine. This variant is rare in population databases. Computational prediction algorithms are consistent with a benign effect. The currently available literature and clinical evidence are not sufficient to establish a definitive association between this variant and the reported condition. Therefore, this variant is classified as a variant of uncertain significance.